The following is an entry in ClinVar:

NM_004523.4(KIF11):c.2168G>A (p.Cys723Tyr)

Gene: KIF11 (kinesin family member 11; plus strand). Cytogenetic location: 10q23.33.
Variant type: single nucleotide variant.
Coding change: c.2168G>A on transcript NM_004523.4 (MANE Select); coding-DNA position 2168, G replaced by A.
Protein change: p.Cys723Tyr; replaces cysteine 723 with tyrosine.
Molecular consequence: missense variant.
Genome position (GRCh38, 1-based): chr10:92,639,801, G>A. VCF-style: chr10-92639801-G-A. GRCh37 (hg19) VCF-style: chr10-94399558-G-A.
Other names: short protein forms C723Y.
Identifiers: ClinVar variation 2866998 (VCV002866998.3), dbSNP rs2492528690, ClinGen allele CA377593577.

ClinVar aggregate classification (germline): Uncertain significance (1 of 4 stars; one submission).

Submission:

Labcorp Genetics (formerly Invitae), Labcorp
Classification: Uncertain significance. Last evaluated: 2023-05-22. Review status: criteria provided, single submitter. Criteria: Invitae Variant Classification Sherloc (09022015). Collection method: clinical testing. Allele origin: germline.
Comment: In summary, the available evidence is currently insufficient to determine the role of this variant in disease. Therefore, it has been classified as a Variant of Uncertain Significance. Advanced modeling of protein sequence and biophysical properties (such as structural, functional, and spatial information, amino acid conservation, physicochemical variation, residue mobility, and thermodynamic stability) performed at Invitae indicates that this missense variant is not expected to disrupt KIF11 protein function. This variant has not been reported in the literature in individuals affected with KIF11-related conditions. This variant is not present in population databases (gnomAD no frequency). This sequence change replaces cysteine, which is neutral and slightly polar, with tyrosine, which is neutral and polar, at codon 723 of the KIF11 protein (p.Cys723Tyr).